The following is an entry in ClinVar:

ClinVar aggregate classification (germline): Uncertain significance (1 of 4 stars; one submission).

Conditions:
Familial thoracic aortic aneurysm and aortic dissection (TAAD). Also called: Thoracic aortic aneurysms and dissections. Identifiers: Orphanet 91387, MedGen C4707243, MONDO:0019625.

gnomAD v4.1: 3 of 1,614,110 alleles (0.00019%); highest among the groups gnomAD compares: Non-Finnish European, 0.00025%; no homozygotes.

Submission:

Color Diagnostics, LLC DBA Color Health
Classification: Uncertain significance for Familial thoracic aortic aneurysm and aortic dissection. Last evaluated: 2024-04-29. Review status: criteria provided, single submitter. Criteria: ACMG Guidelines, 2015. Collection method: clinical testing. Allele origin: germline.
Comment: This missense variant replaces isoleucine with methionine at codon 1019 of the FBN1 protein. Computational prediction tools indicate that this variant has a neutral impact on protein structure and function. To our knowledge, functional studies have not been reported for this variant. This variant has not been reported in individuals affected with FBN1-related disorders in the literature. This variant has not been identified in the general population by the Genome Aggregation Database (gnomAD). The available evidence is insufficient to determine the role of this variant in disease conclusively. Therefore, this variant is classified as a Variant of Uncertain Significance.

NM_000138.5(FBN1):c.3057T>G (p.Ile1019Met)

Gene: FBN1 (fibrillin 1; minus strand). Cytogenetic location: 15q21.1.
Variant type: single nucleotide variant.
Coding change: c.3057T>G on transcript NM_000138.5 (MANE Select); coding-DNA position 3057, T replaced by G.
Protein change: p.Ile1019Met; replaces isoleucine 1019 with methionine.
Molecular consequence: missense variant.
Genome position (GRCh38, 1-based): chr15:48,489,876, A>C on the plus strand (T>G on the coding strand, the complement: FBN1 is on the minus strand). VCF-style: chr15-48489876-A-C. GRCh37 (hg19) VCF-style: chr15-48782073-A-C.
Other names: c.3057T>G, p.Ile1019Met (NM_001406716.1); short protein forms I1019M.
Identifiers: ClinVar variation 3893738 (VCV003893738.1).
Genomic context (GRCh38, chr15:48,489,876, plus strand): 5'-GGAGGCAATTGGCCATGGAAAACGTAACATTGTACCTTTGAAGAAAGGCTTTCCATTTGT[A>C]ATTTCTTTTGTGGCAAATCCGGGTCCTCTCGGACACAGCTCCTCGTACTCAGGAGTATTT-3'
Protein context (NP_000129.3, residues 1009-1029): PRGPGFATKE[Ile1019Met]TNGKPFFKDI